The following is an entry in ClinVar:

ClinVar aggregate classification (germline): Likely benign (0 of 4 stars; one submission).

Conditions:
TSEN54-related disorder. Also called: TSEN54-related condition.

Allele frequency attached by ClinVar (database versions not stated): gnomAD exomes below 0.00001; ExAC 0.00001.
gnomAD v4.1: 4 of 1,613,442 alleles (0.00025%); highest among the groups gnomAD compares: South Asian, 0.0033%; no homozygotes.

Submission:

PreventionGenetics, part of Exact Sciences
Classification: Likely benign for TSEN54-related condition. Last evaluated: 2019-05-28. Review status: no assertion criteria provided. Collection method: clinical testing. Allele origin: germline.
Comment: This variant is classified as likely benign based on ACMG/AMP sequence variant interpretation guidelines (Richards et al. 2015 PMID: 25741868, with internal and published modifications).

NM_207346.3(TSEN54):c.474C>T (p.Phe158=)

Gene: TSEN54 (tRNA splicing endonuclease subunit 54; plus strand). Cytogenetic location: 17q25.1.
Variant type: single nucleotide variant.
Coding change: c.474C>T on transcript NM_207346.3 (MANE Select); coding-DNA position 474, C replaced by T.
Protein change: p.Phe158=; no amino-acid change (phenylalanine 158 retained).
Molecular consequence: synonymous variant.
Genome position (GRCh38, 1-based): chr17:75,519,000, C>T. VCF-style: chr17-75519000-C-T. GRCh37 (hg19) VCF-style: chr17-73515081-C-T.
Identifiers: ClinVar variation 3038808 (VCV003038808.2), dbSNP rs773559646, ClinGen allele CA8764151.